The following is an entry in ClinVar:

ClinVar aggregate classification (germline): Uncertain significance. Review status: criteria provided, multiple submitters, no conflicts (2 of 4 stars). 3 submissions from 3 submitters: Uncertain significance (2). 1 of the submissions does not count toward it. Last evaluated 2024-04-10.

Conditions:
KSR2-related disorder. Also called: KSR2-related condition.

Allele frequency attached by ClinVar (database versions not stated): gnomAD 0.00001 and 0.00002; TOPMed 0.00002; gnomAD exomes 0.00003; ExAC 0.00004; 1000 Genomes Project 30x 0.00016; 1000 Genomes Project 0.00020.
gnomAD v4.1: 40 of 1,613,946 alleles (0.0025%); highest among the groups gnomAD compares: Non-Finnish European, 0.003%; no homozygotes.

Submissions (3):

Blueprint Genetics
Classification: Uncertain significance. Last evaluated: 2024-04-10. Review status: criteria provided, single submitter. Criteria: ACMG Guidelines, 2015. Collection method: clinical testing. Allele origin: germline.

Labcorp Genetics (formerly Invitae), Labcorp
Classification: Uncertain significance. Last evaluated: 2023-11-19. Review status: criteria provided, single submitter. Criteria: Invitae Variant Classification Sherloc (09022015). Collection method: clinical testing. Allele origin: germline.
Comment: This sequence change replaces asparagine, which is neutral and polar, with serine, which is neutral and polar, at codon 451 of the KSR2 protein (p.Asn451Ser). This variant is present in population databases (rs564347724, gnomAD 0.007%). This variant has not been reported in the literature in individuals affected with KSR2-related conditions. ClinVar contains an entry for this variant (Variation ID: 1431316). An algorithm developed to predict the effect of missense changes on protein structure and function (PolyPhen-2) suggests that this variant is likely to be disruptive. In summary, the available evidence is currently insufficient to determine the role of this variant in disease. Therefore, it has been classified as a Variant of Uncertain Significance.

PreventionGenetics, part of Exact Sciences
Classification: Uncertain significance for KSR2-related condition. Last evaluated: 2024-09-11. Review status: no assertion criteria provided. Collection method: clinical testing. Allele origin: germline. Not counted in ClinVar's aggregate classification.
Comment: The KSR2 c.1352A>G variant is predicted to result in the amino acid substitution p.Asn451Ser. To our knowledge, this variant has not been reported in the literature. This variant is reported in 0.0070% of alleles in individuals of European (Non-Finnish) descent in gnomAD. At this time, the clinical significance of this variant is uncertain due to the absence of conclusive functional and genetic evidence.

NM_173598.6(KSR2):c.1439A>G (p.Asn480Ser)

Gene: KSR2 (kinase suppressor of ras 2; minus strand). Cytogenetic location: 12q24.22.
Variant type: single nucleotide variant.
Coding change: c.1439A>G on transcript NM_173598.6 (MANE Select); coding-DNA position 1439, A replaced by G.
Protein change: p.Asn480Ser; replaces asparagine 480 with serine.
Molecular consequence: missense variant.
Genome position (GRCh38, 1-based): chr12:117,555,248, T>C on the plus strand (A>G on the coding strand, the complement: KSR2 is on the minus strand). VCF-style: chr12-117555248-T-C. GRCh37 (hg19) VCF-style: chr12-117993053-T-C.
Other names: c.1352A>G (NM_173598.4); short protein forms N480S.
Identifiers: ClinVar variation 1431316 (VCV001431316.6), dbSNP rs564347724, ClinGen allele CA6816015.
Genomic context (GRCh38, chr12:117,555,248, plus strand): 5'-TTGGGGAGCGTCTGACTGATGTGCAGGTCTGAATAGCGAGGTGGCTTCCGTAGAGGGTTG[T>C]TGATGTCACACGGAACGGACTCTGTCCGGACTAACCTTGCTGGATCCGTAGGGGTAAAAA-3'
Protein context (NP_775869.4, residues 470-490): VRTESVPCDI[Asn480Ser]NPLRKPPRYS